The following is an entry in ClinVar:

ClinVar aggregate classification (germline): Pathogenic (1 of 4 stars; one submission).

Conditions:
Duchenne muscular dystrophy (DMD). Also called: MUSCULAR DYSTROPHY, PSEUDOHYPERTROPHIC PROGRESSIVE, DUCHENNE TYPE; Duchenne Muscular Dystrophy (DMD). Identifiers: Orphanet 98896, MedGen C0013264, MONDO:0010679, OMIM 310200.

Submission:

Labcorp Genetics (formerly Invitae), Labcorp
Classification: Pathogenic for Duchenne muscular dystrophy. Last evaluated: 2022-01-03. Review status: criteria provided, single submitter. Criteria: Invitae Variant Classification Sherloc (09022015). Collection method: clinical testing. Allele origin: germline.
Comment: For these reasons, this variant has been classified as Pathogenic. This variant has not been reported in the literature in individuals affected with DMD-related conditions. This variant is not present in population databases (gnomAD no frequency). This sequence change creates a premature translational stop signal (p.Tyr3385*) in the DMD gene. It is expected to result in an absent or disrupted protein product. Loss-of-function variants in DMD are known to be pathogenic (PMID: 16770791, 25007885).

Literature cited by the submitters: PubMed 16770791; PubMed 25007885.

NM_004006.3(DMD):c.10155T>G (p.Tyr3385Ter)

Gene: DMD (dystrophin; minus strand). Cytogenetic location: Xp21.2.
Variant type: single nucleotide variant.
Coding change: c.10155T>G on transcript NM_004006.3 (MANE Select); coding-DNA position 10155, T replaced by G.
Protein change: p.Tyr3385Ter; replaces tyrosine 3385 with a stop codon.
Molecular consequence: nonsense.
Genome position (GRCh38, 1-based): chrX:31,178,737, A>C on the plus strand (T>G on the coding strand, the complement: DMD is on the minus strand). VCF-style: chrX-31178737-A-C. GRCh37 (hg19) VCF-style: chrX-31196854-A-C.
Other names: c.10131T>G, p.Tyr3377Ter (NM_000109.4); c.10143T>G, p.Tyr3381Ter (NM_004009.3); c.9786T>G, p.Tyr3262Ter (NM_004010.3); c.6132T>G, p.Tyr2044Ter (NM_004011.4); c.6123T>G, p.Tyr2041Ter (NM_004012.4); c.2775T>G, p.Tyr925Ter (NM_004013.3, NM_004020.4, NM_004021.3 and 2 more transcripts); c.1968T>G, p.Tyr656Ter (NM_004014.3); c.951T>G, p.Tyr317Ter (NM_004015.3, NM_004016.3, NM_004017.3 and 2 more transcripts); short protein forms Y2041*, Y2044*, Y3262*, Y317*, Y3377*, Y925*, Y3385*, Y3381*.
Identifiers: ClinVar variation 2072255 (VCV002072255.4), dbSNP rs2519937826, ClinGen allele CA412652818.
Genomic context (GRCh38, chrX:31,178,737, plus strand): 5'-GTTGTCCCCCTCTAAGACAGTCTGCACTGGCAGGTAGCCCATTCGGGGATGCTTCGCAAA[A>C]TACCTTTTGGTTCGAAATTTGTTTTTTAGTACCTTGGCAAAGTCTCGAACATCTTCTCCT-3'